The following is an entry in ClinVar:

NM_001368397.1(FRMPD4):c.4563G>C (p.Arg1521Ser)

Gene: FRMPD4 (FERM and PDZ domain containing 4; plus strand). Cytogenetic location: Xp22.2.
Variant type: single nucleotide variant.
Coding change: c.4563G>C on transcript NM_001368397.1 (MANE Select); coding-DNA position 4563, G replaced by C.
Protein change: p.Arg1521Ser; replaces arginine 1521 with serine.
Molecular consequence: missense variant. On other transcripts: 3 prime UTR variant (6).
Genome position (GRCh38, 1-based): chrX:12,721,132, G>C. VCF-style: chrX-12721132-G-C. GRCh37 (hg19) VCF-style: chrX-12739251-G-C.
Other names: c.4674G>C, p.Arg1558Ser (NM_001368395.3); c.4569G>C, p.Arg1523Ser (NM_001368396.3); c.*599G>C (NM_001368398.3, NM_001368399.3, NM_001368400.3 and 3 more transcripts); short protein forms R1521S, R1523S, R1558S.
Identifiers: ClinVar variation 5039359 (VCV005039359.1).
Genomic context (GRCh38, chrX:12,721,132, plus strand): 5'-CTTCAGCTATTGCTTCCTGAACCGAGGGCAGGATGAAGATGGTGAGGAAGAAGAGGAGAG[G>C]GGAGAGGCCACCGTCCAGGTCTCTTGCCTCTATAGACCACAGATGACTCAAGCCATGCCA-3'
Protein context (NP_001355326.1, residues 1511-1531): QDEDGEEEEE[Arg1521Ser]GEATVQVSCL

ClinVar aggregate classification (germline): Likely benign (1 of 4 stars; one submission).

gnomAD v4.1: 18 of 754,709 alleles (0.0024%); highest among the groups gnomAD compares: East Asian, 0.076%; no homozygotes.

Submission:

CeGaT Center for Human Genetics Tuebingen
Classification: Likely benign. Last evaluated: 2026-08-01. Review status: criteria provided, single submitter. Criteria: CeGaT Center For Human Genetics Tuebingen Variant Classification Criteria Version 2. Collection method: clinical testing. Allele origin: germline. Affected: yes. Observed: 1 variant allele.
Comment: FRMPD4: BS2